The following is an entry in ClinVar:

NM_014629.4(ARHGEF10):c.2515del (p.Cys839fs)

Gene: ARHGEF10 (Rho guanine nucleotide exchange factor 10; plus strand). Cytogenetic location: 8p23.3.
Variant type: Deletion.
Coding change: c.2515del on transcript NM_014629.4 (MANE Select); coding-DNA position 2515, one base deleted (T; older notation c.2515delT).
Protein change: p.Cys839fs; shifts the reading frame from cysteine 839.
Molecular consequence: frameshift variant.
Genome position (GRCh38, 1-based): chr8:1,925,309, T deleted. VCF-style (leftmost placement, unchanged base first): chr8-1925308-CT-C. GRCh37 (hg19) VCF-style: chr8-1873474-CT-C.
Other names: c.2401del, p.Cys801fs (NM_001308152.2, NM_001438094.1); c.2515del, p.Cys839fs (NM_001308153.3); c.2518del, p.Cys840fs (NM_001438091.1); c.2398del, p.Cys800fs (NM_001438092.1, NM_001438093.1); short protein forms C800fs, C840fs, C839fs, C801fs.
Identifiers: ClinVar variation 4706821 (VCV004706821.2).

ClinVar aggregate classification (germline): Uncertain significance. Review status: criteria provided, multiple submitters, no conflicts (2 of 4 stars). 2 submissions from 2 submitters: Uncertain significance (2). Last evaluated 2025-05-16.

Submissions (2):

Labcorp Genetics (formerly Invitae), Labcorp
Classification: Uncertain significance. Last evaluated: 2025-05-16. Review status: criteria provided, single submitter. Criteria: Invitae Variant Classification Sherloc (09022015). Collection method: clinical testing. Allele origin: germline.
Comment: This sequence change creates a premature translational stop signal (p.Cys839Valfs*23) in the ARHGEF10 gene. It is expected to result in an absent or disrupted protein product. However, the current clinical and genetic evidence is not sufficient to establish whether loss-of-function variants in ARHGEF10 cause disease. This variant is present in population databases (rs756121735, gnomAD 0.002%). This variant has not been reported in the literature in individuals affected with ARHGEF10-related conditions. In summary, the available evidence is currently insufficient to determine the role of this variant in disease. Therefore, it has been classified as a Variant of Uncertain Significance.

Blueprint Genetics
Classification: Uncertain significance. Last evaluated: 2021-01-14. Review status: criteria provided, single submitter. Criteria: ACMG Guidelines, 2015. Collection method: clinical testing. Allele origin: germline.